The following is an entry in ClinVar:

NM_000135.4(FANCA):c.3239+82T>G

Gene: FANCA (FA complementation group A; minus strand). Cytogenetic location: 16q24.3.
Variant type: single nucleotide variant.
Coding change: c.3239+82T>G on transcript NM_000135.4 (MANE Select); 82 bases into the intron after coding-DNA position 3239, T replaced by G.
Molecular consequence: intron variant.
Genome position (GRCh38, 1-based): chr16:89,749,648, A>C on the plus strand (T>G on the coding strand, the complement: FANCA is on the minus strand). VCF-style: chr16-89749648-A-C. GRCh37 (hg19) VCF-style: chr16-89816056-A-C.
Other names: c.3239+82T>G (NM_001286167.3).
Identifiers: ClinVar variation 974260 (VCV000974260.1), dbSNP rs2038511531, ClinGen allele CA1139665034.

ClinVar aggregate classification (germline): Pathogenic (0 of 4 stars; one submission).

Conditions:
Fanconi anemia complementation group A (FANCA). Also called: Fanconi anemia, group A; FANCA-Related Fanconi Anemia. Identifiers: Orphanet 84, MedGen C3469521, MONDO:0009215, OMIM 227650.

Submission:

Leiden Open Variation Database
Classification: Pathogenic for Fanconi anemia complementation group A. Last evaluated: 2020-02-28. Review status: no assertion criteria provided. Collection method: curation. Allele origin: germline. Affected: yes.
Comment: Curator: Arleen D. Auerbach. Submitter to LOVD: Johan de Winter.

Literature cited by the submitters: PubMed 17924555.